The following is an entry in ClinVar:

NM_001379610.1(SPINK1):c.212T>A (p.Ile71Asn)

Gene: SPINK1 (serine peptidase inhibitor Kazal type 1; minus strand). Cytogenetic location: 5q32.
Variant type: single nucleotide variant.
Coding change: c.212T>A on transcript NM_001379610.1 (MANE Select); coding-DNA position 212, T replaced by A.
Protein change: p.Ile71Asn; replaces isoleucine 71 with asparagine.
Molecular consequence: missense variant.
Genome position (GRCh38, 1-based): chr5:147,824,689, A>T on the plus strand (T>A on the coding strand, the complement: SPINK1 is on the minus strand). VCF-style: chr5-147824689-A-T. GRCh37 (hg19) VCF-style: chr5-147204252-A-T.
Other names: c.212T>A, p.Ile71Asn (NM_001354966.2, NM_003122.5); short protein forms I71N.
Identifiers: ClinVar variation 1786378 (VCV001786378.2), dbSNP rs2480192134, ClinGen allele CA361885112.

ClinVar aggregate classification (germline): Uncertain significance (1 of 4 stars; one submission).

Conditions:
Hereditary pancreatitis (PCTT). Also called: Hereditary chronic pancreatitis; PRSS1-Related Hereditary Pancreatitis. Identifiers: Orphanet 676, MedGen C0238339, MONDO:0008185, OMIM 167800.

Submission:

Ambry Genetics
Classification: Uncertain significance for Hereditary pancreatitis. Last evaluated: 2021-08-12. Review status: criteria provided, single submitter. Criteria: Ambry Variant Classification Scheme 2023. Collection method: clinical testing. Allele origin: germline.
Comment: The p.I71N variant (also known as c.212T>A), located in coding exon 4 of the SPINK1 gene, results from a T to A substitution at nucleotide position 212. The isoleucine at codon 71 is replaced by asparagine, an amino acid with dissimilar properties. This amino acid position is conserved. In addition, the in silico prediction for this alteration is inconclusive. Since supporting evidence is limited at this time, the clinical significance of this alteration remains unclear.